The following is an entry in ClinVar:

ClinVar aggregate classification (germline): Uncertain significance (1 of 4 stars; one submission).

Conditions:
Joubert syndrome. Also called: JOUBERT-BOLTSHAUSER SYNDROME; Familial aplasia of the vermis. Identifiers: Orphanet 475, MedGen C5979921, MONDO:0018772.
Meckel-Gruber syndrome. Also called: DYSENCEPHALIA SPLANCHNOCYSTICA; GRUBER SYNDROME; Dysencephalia splachnocystica. Identifiers: Orphanet 564, MedGen C0265215, MONDO:0018921.

Submission:

Labcorp Genetics (formerly Invitae), Labcorp
Classification: Uncertain significance for Joubert syndrome; Meckel-Gruber syndrome. Last evaluated: 2024-10-25. Review status: criteria provided, single submitter. Criteria: Invitae Variant Classification Sherloc (09022015). Collection method: clinical testing. Allele origin: germline.
Comment: This sequence change affects codon 82 of the CC2D2A mRNA. It is a 'silent' change, meaning that it does not change the encoded amino acid sequence of the CC2D2A protein. It affects a nucleotide within the consensus splice site. This variant is not present in population databases (gnomAD no frequency). This variant has not been reported in the literature in individuals affected with CC2D2A-related conditions. ClinVar contains an entry for this variant (Variation ID: 1995349). Algorithms developed to predict the effect of sequence changes on RNA splicing suggest that this variant is not likely to affect RNA splicing. In summary, the available evidence is currently insufficient to determine the role of this variant in disease. Therefore, it has been classified as a Variant of Uncertain Significance.

NM_001378615.1(CC2D2A):c.246G>C (p.Arg82=)

Genes: CC2D2A (coiled-coil and C2 domain containing 2A; plus strand), FBXL5 (F-box and leucine rich repeat protein 5; minus strand). Cytogenetic location: 4p15.32.
Variant type: single nucleotide variant.
Coding change: c.246G>C on transcript NM_001378615.1 (MANE Select); coding-DNA position 246, G replaced by C.
Protein change: p.Arg82=; no amino-acid change (arginine 82 retained).
Molecular consequence: synonymous variant. On other transcripts: missense variant (1).
Genome position (GRCh38, 1-based): chr4:15,480,826, G>C. VCF-style: chr4-15480826-G-C. GRCh37 (hg19) VCF-style: chr4-15482450-G-C.
Other names: c.246G>C, p.Arg82= (NM_001080522.2, NM_001164720.3); c.99G>C, p.Arg33= (NM_001378617.1); c.352G>C, p.Glu118Gln (NM_020785.2); short protein forms E118Q.
Identifiers: ClinVar variation 1995349 (VCV001995349.4), dbSNP rs759135400, ClinGen allele CA356407822.